The following is an entry in ClinVar:

ClinVar aggregate classification (germline): Uncertain significance (0 of 4 stars; one submission).

Conditions:
MC4R-related disorder. Also called: MC4R-related condition.

Submission:

PreventionGenetics, part of Exact Sciences
Classification: Uncertain significance for MC4R-related condition. Last evaluated: 2024-04-18. Review status: no assertion criteria provided. Collection method: clinical testing. Allele origin: germline.
Comment: The MC4R c.890T>C variant is predicted to result in the amino acid substitution p.Ile297Thr. To our knowledge, this variant has not been reported in the literature. This variant is reported in 0.023% of alleles in individuals of African descent in gnomAD. At this time, the clinical significance of this variant is uncertain due to the absence of conclusive functional and genetic evidence.

NM_005912.3(MC4R):c.890T>C (p.Ile297Thr)

Gene: MC4R (melanocortin 4 receptor; minus strand). Cytogenetic location: 18q21.32.
Variant type: single nucleotide variant.
Coding change: c.890T>C on transcript NM_005912.3 (MANE Select); coding-DNA position 890, T replaced by C.
Protein change: p.Ile297Thr; replaces isoleucine 297 with threonine.
Molecular consequence: missense variant.
Genome position (GRCh38, 1-based): chr18:60,371,460, A>G on the plus strand (T>C on the coding strand, the complement: MC4R is on the minus strand). VCF-style: chr18-60371460-A-G. GRCh37 (hg19) VCF-style: chr18-58038693-A-G.
Other names: short protein forms I297T.
Identifiers: ClinVar variation 3353099 (VCV003353099.1).